The following is an entry in ClinVar:

ClinVar aggregate classification (germline): Uncertain significance (1 of 4 stars; one submission).

Conditions:
KBG syndrome (KBGS). Also called: ANKRD11-Related KBG Syndrome. Identifiers: Orphanet 2332, MedGen C0220687, MONDO:0007846, OMIM 148050.

Submission:

Labcorp Genetics (formerly Invitae), Labcorp
Classification: Uncertain significance for KBG syndrome. Last evaluated: 2025-04-18. Review status: criteria provided, single submitter. Criteria: Invitae Variant Classification Sherloc (09022015). Collection method: clinical testing. Allele origin: germline.
Comment: This sequence change replaces arginine, which is basic and polar, with proline, which is neutral and non-polar, at codon 906 of the ANKRD11 protein (p.Arg906Pro). This variant is not present in population databases (gnomAD no frequency). This variant has not been reported in the literature in individuals affected with ANKRD11-related conditions. Invitae Evidence Modeling of protein sequence and biophysical properties (such as structural, functional, and spatial information, amino acid conservation, physicochemical variation, residue mobility, and thermodynamic stability) indicates that this missense variant is not expected to disrupt ANKRD11 protein function with a negative predictive value of 95%. In summary, the available evidence is currently insufficient to determine the role of this variant in disease. Therefore, it has been classified as a Variant of Uncertain Significance.

NM_013275.6(ANKRD11):c.2717G>C (p.Arg906Pro)

Gene: ANKRD11 (ankyrin repeat domain 11; minus strand). Cytogenetic location: 16q24.3.
Variant type: single nucleotide variant.
Coding change: c.2717G>C on transcript NM_013275.6 (MANE Select); coding-DNA position 2717, G replaced by C.
Protein change: p.Arg906Pro; replaces arginine 906 with proline.
Molecular consequence: missense variant.
Genome position (GRCh38, 1-based): chr16:89,283,825, C>G on the plus strand (G>C on the coding strand, the complement: ANKRD11 is on the minus strand). VCF-style: chr16-89283825-C-G. GRCh37 (hg19) VCF-style: chr16-89350233-C-G.
Other names: c.2717G>C, p.Arg906Pro (NM_001256182.2, NM_001256183.2); short protein forms R906P.
Identifiers: ClinVar variation 4798267 (VCV004798267.1).